The following is an entry in ClinVar:

ClinVar aggregate classification (germline): Likely benign. Review status: criteria provided, multiple submitters, no conflicts (2 of 4 stars). 2 submissions from 2 submitters: Likely benign (2). Last evaluated 2024-06-10.

Allele frequency attached by ClinVar (database versions not stated): gnomAD 0.00001; TOPMed 0.00001.
gnomAD v4.1: 9 of 1,613,340 alleles (0.00056%); highest among the groups gnomAD compares: South Asian, 0.0022%; no homozygotes.

Submissions (2):

Blueprint Genetics
Classification: Likely benign. Last evaluated: 2024-06-10. Review status: criteria provided, single submitter. Criteria: ACMG Guidelines, 2015. Collection method: clinical testing. Allele origin: germline.

CeGaT Center for Human Genetics Tuebingen
Classification: Likely benign. Last evaluated: 2022-10-01. Review status: criteria provided, single submitter. Criteria: CeGaT Center For Human Genetics Tuebingen Variant Classification Criteria Version 2. Collection method: clinical testing. Allele origin: germline. Affected: yes. Observed: 1 variant allele.
Comment: CDKN1A: BP4, BP7

NM_000389.5(CDKN1A):c.240G>C (p.Thr80=)

Gene: CDKN1A (cyclin dependent kinase inhibitor 1A; plus strand). Cytogenetic location: 6p21.2.
Variant type: single nucleotide variant.
Coding change: c.240G>C on transcript NM_000389.5 (MANE Select); coding-DNA position 240, G replaced by C.
Protein change: p.Thr80=; no amino-acid change (threonine 80 retained).
Molecular consequence: synonymous variant.
Genome position (GRCh38, 1-based): chr6:36,684,341, G>C. VCF-style: chr6-36684341-G-C. GRCh37 (hg19) VCF-style: chr6-36652118-G-C.
Other names: c.240G>C, p.Thr80= (NM_001220777.2, NM_001220778.2, NM_001374511.1 and 3 more transcripts); c.342G>C, p.Thr114= (NM_001291549.3, NM_001374509.1); c.279G>C, p.Thr93= (NM_001374510.1).
Identifiers: ClinVar variation 2656518 (VCV002656518.25), dbSNP rs984915958, ClinGen allele CA137423270.
Genomic context (GRCh38, chr6:36,684,341, plus strand): 5'-GGGTGACTTCGCCTGGGAGCGTGTGCGGGGCCTTGGCCTGCCCAAGCTCTACCTTCCCAC[G>C]GGGCCCCGGCGAGGCCGGGATGAGTTGGGAGGAGGCAGGCGGCCTGGCACCTCACCTGCT-3'
Protein context (NP_000380.1, residues 70-90): GLGLPKLYLP[Thr80=]GPRRGRDELG